The following is an entry in ClinVar:

NM_001040716.2(PC):c.2192T>C (p.Val731Ala)

Gene: PC (pyruvate carboxylase; minus strand). Cytogenetic location: 11q13.2.
Variant type: single nucleotide variant.
Coding change: c.2192T>C on transcript NM_001040716.2 (MANE Select); coding-DNA position 2192, T replaced by C.
Protein change: p.Val731Ala; replaces valine 731 with alanine.
Molecular consequence: missense variant.
Genome position (GRCh38, 1-based): chr11:66,851,071, A>G on the plus strand (T>C on the coding strand, the complement: PC is on the minus strand). VCF-style: chr11-66851071-A-G. GRCh37 (hg19) VCF-style: chr11-66618542-A-G.
Other names: c.2192T>C, p.Val731Ala (NM_000920.4, NM_022172.3); short protein forms V731A.
Identifiers: ClinVar variation 2148503 (VCV002148503.3), dbSNP rs1390388986, ClinGen allele CA381493502.

ClinVar aggregate classification (germline): Uncertain significance (1 of 4 stars; one submission).

Conditions:
Pyruvate carboxylase deficiency. Also called: Pyruvate Carboxylase Deficiency Disease; LEIGH NECROTIZING ENCEPHALOPATHY DUE TO PYRUVATE CARBOXYLASE DEFICIENCY; LEIGH SYNDROME DUE TO PYRUVATE CARBOXYLASE DEFICIENCY; PC DEFICIENCY; ATAXIA WITH LACTIC ACIDOSIS II. Identifiers: Orphanet 3008, MedGen C0034341, MONDO:0009949, OMIM 266150.

Allele frequency attached by ClinVar (database versions not stated): gnomAD 0.00001; gnomAD exomes 0.00001; TOPMed 0.00001.
gnomAD v4.1: 5 of 1,613,070 alleles (0.00031%); highest among the groups gnomAD compares: Admixed American, 0.0033%; no homozygotes.

Submission:

Labcorp Genetics (formerly Invitae), Labcorp
Classification: Uncertain significance for Pyruvate carboxylase deficiency. Last evaluated: 2024-11-04. Review status: criteria provided, single submitter. Criteria: Invitae Variant Classification Sherloc (09022015). Collection method: clinical testing. Allele origin: germline.
Comment: This sequence change replaces valine, which is neutral and non-polar, with alanine, which is neutral and non-polar, at codon 731 of the PC protein (p.Val731Ala). This variant is present in population databases (no rsID available, gnomAD 0.003%). This variant has not been reported in the literature in individuals affected with PC-related conditions. ClinVar contains an entry for this variant (Variation ID: 2148503). Invitae Evidence Modeling of protein sequence and biophysical properties (such as structural, functional, and spatial information, amino acid conservation, physicochemical variation, residue mobility, and thermodynamic stability) indicates that this missense variant is not expected to disrupt PC protein function with a negative predictive value of 95%. In summary, the available evidence is currently insufficient to determine the role of this variant in disease. Therefore, it has been classified as a Variant of Uncertain Significance.